The following is an entry in ClinVar:

ClinVar aggregate classification (germline): Uncertain significance (1 of 4 stars; one submission).

Conditions:
Thrombophilia, X-linked, due to factor 9 defect. Identifiers: MedGen C2749016, MONDO:0010432, OMIM 300807.
Hereditary factor IX deficiency disease (HEMB). Also called: F9 DEFICIENCY; FACTOR IX DEFICIENCY; PLASMA THROMBOPLASTIN COMPONENT DEFICIENCY; Hemophilia B; Christmas Disease. Identifiers: Orphanet 98879, MedGen C0008533, MeSH D002836, MONDO:0010604, OMIM 306900.

Allele frequency attached by ClinVar (database versions not stated): gnomAD exomes below 0.00001.
gnomAD v4.1: 1 of 1,212,051 alleles (0.000083%); highest among the groups gnomAD compares: Non-Finnish European, 0.00011%; no homozygotes.

Submission:

Labcorp Genetics (formerly Invitae), Labcorp
Classification: Uncertain significance for Thrombophilia, X-linked, due to factor 9 defect; Hereditary factor IX deficiency disease. Last evaluated: 2019-02-28. Review status: criteria provided, single submitter. Criteria: Invitae Variant Classification Sherloc (09022015). Collection method: clinical testing. Allele origin: germline.
Comment: This variant disrupts the p.Val419 amino acid residue in F9. Other variant(s) that disrupt this residue have been determined to be pathogenic (PMID: 8199596, 19699296, 22639855, 22103590, 24375831). This suggests that this residue is clinically-significant, and that variants that disrupt this residue are likely to be disease-causing. This sequence change replaces valine with methionine at codon 419 of the F9 protein (p.Val419Met). The valine residue is moderately conserved and there is a small physicochemical difference between valine and methionine. This variant is not present in population databases (ExAC no frequency). This variant has not been reported in the literature in individuals with F9-related conditions. Algorithms developed to predict the effect of missense changes on protein structure and function are either unavailable or do not agree on the potential impact of this missense change (SIFT: "Tolerated"; PolyPhen-2: "Probably Damaging"; Align-GVGD: "Class C0"). In summary, the available evidence is currently insufficient to determine the role of this variant in disease. Therefore, it has been classified as a Variant of Uncertain Significance.

Literature cited by the submitters: PubMed 8199596; PubMed 19699296; PubMed 22639855; PubMed 22103590; PubMed 24375831.

NM_000133.4(F9):c.1255G>A (p.Val419Met)

Gene: F9 (coagulation factor IX; plus strand). Cytogenetic location: Xq27.1.
Variant type: single nucleotide variant.
Coding change: c.1255G>A on transcript NM_000133.4 (MANE Select); coding-DNA position 1255, G replaced by A.
Protein change: p.Val419Met; replaces valine 419 with methionine.
Molecular consequence: missense variant.
Genome position (GRCh38, 1-based): chrX:139,561,940, G>A. VCF-style: chrX-139561940-G-A. GRCh37 (hg19) VCF-style: chrX-138644099-G-A.
Other names: c.1141G>A, p.Val381Met (NM_001313913.2); short protein forms V381M, V419M.
Identifiers: ClinVar variation 835343 (VCV000835343.9), dbSNP rs1928127579, ClinGen allele CA414446878.